The following is an entry in ClinVar:

NM_024675.4(PALB2):c.1453A>C (p.Thr485Pro)

Gene: PALB2 (partner and localizer of BRCA2; minus strand). Cytogenetic location: 16p12.2.
Variant type: single nucleotide variant.
Coding change: c.1453A>C on transcript NM_024675.4 (MANE Select); coding-DNA position 1453, A replaced by C.
Protein change: p.Thr485Pro; replaces threonine 485 with proline.
Molecular consequence: missense variant. On other transcripts: intron variant (3).
Genome position (GRCh38, 1-based): chr16:23,635,093, T>G on the plus strand (A>C on the coding strand, the complement: PALB2 is on the minus strand). VCF-style: chr16-23635093-T-G. GRCh37 (hg19) VCF-style: chr16-23646414-T-G.
Other names: c.1453A>C, p.Thr485Pro (NM_001407300.1, NM_001407301.1, NM_001407299.1 and 3 more transcripts); c.1393A>C, p.Thr465Pro (NM_001407296.1); c.568A>C, p.Thr190Pro (NM_001407307.1, NM_001407308.1, NM_001407309.1 and 5 more transcripts); c.49-5818A>C (NM_001407314.1); c.-104-4624A>C (NM_001407313.1, NM_001407312.1); short protein forms T190P, T465P, T485P.
Identifiers: ClinVar variation 3304007 (VCV003304007.1).

ClinVar aggregate classification (germline): Uncertain significance (1 of 4 stars; one submission).

Conditions:
Hereditary cancer-predisposing syndrome. Also called: Tumor predisposition; Hereditary Cancer Syndrome; Hereditary neoplastic syndrome; Neoplastic Syndromes, Hereditary. Identifiers: Orphanet 140162, MedGen C0027672, MeSH D009386, MONDO:0015356.

Submission:

Ambry Genetics
Classification: Uncertain significance for Hereditary cancer-predisposing syndrome. Last evaluated: 2024-05-17. Review status: criteria provided, single submitter. Criteria: Ambry Variant Classification Scheme 2023. Collection method: clinical testing. Allele origin: germline.
Comment: The p.T485P variant (also known as c.1453A>C), located in coding exon 4 of the PALB2 gene, results from an A to C substitution at nucleotide position 1453. The threonine at codon 485 is replaced by proline, an amino acid with highly similar properties. This amino acid position is conserved. In addition, this alteration is predicted to be tolerated by in silico analysis. Based on the available evidence, the clinical significance of this variant remains unclear.